The following is an entry in ClinVar:

ClinVar aggregate classification (germline): Pathogenic. Review status: reviewed by expert panel (3 of 4 stars). 5 submissions from 5 submitters: Pathogenic (1). 4 of the submissions do not count toward it. Last evaluated 2026-02-24.

Conditions:
Stargardt disease (FFM). Also called: Stargardt's disease; Fundus flavimaculatus. Identifiers: Orphanet 827, MedGen C0271093, MONDO:0019353.
Severe early-childhood-onset retinal dystrophy (STGD1). Also called: Stargardt macular dystrophy; Juvenile onset macular degeneration; Stargardt disease 1; MACULAR DYSTROPHY WITH FLECKS, TYPE 1; STGD. Identifiers: Orphanet 364055, Orphanet 827, MedGen C1855465, MeSH D000080362, MONDO:0009549, OMIM 248200.
ABCA4-related retinopathy. Also called: ABCA4 retinoapthy; ABCA4-related retinoapthy. Identifiers: MedGen CN322612, MONDO:0800406.
ABCA4-related disorder. Also called: ABCA4-related condition; ABCA4-related disorders. Identifiers: MedGen CN239167.

Allele frequency attached by ClinVar (database versions not stated): gnomAD exomes below 0.00001; gnomAD 0.00001; TOPMed 0.00001.

Submissions (5):

ClinGen ABCA4 Variant Curation Expert Panel, Clingen
Classification: Pathogenic for ABCA4-related retinopathy. Last evaluated: 2026-02-24. Review status: reviewed by expert panel. Criteria: ClinGen ABCA4 ACMG Specifications V1.0.0. Collection method: curation. Allele origin: germline. Inheritance: Autosomal recessive inheritance.
Comment: The NM_000350.3(ABCA4):c.6289C>T variant in ABCA4 is a missense variant predicted to cause substitution of proline by serine at amino acid 2097 (p.Pro2097Ser). The total minor allele frequency in gnomAD v4.1.0 is 0.000001239 (2/1613554 alleles), which is lower than the ClinGen ABCA4 VCEP’s threshold for PM2_Supporting (<0.0001). The computational predictor REVEL gives a score of 0.926 which is above the threshold of >0.772, evidence that predicts a damaging effect on ABCA4 function (PP3_Moderate). The prevalence of the variant in affected individuals is significantly increased compared with the prevalence in controls. The OR is infinity and the CI is 14.02-infinity, which is above the ABCA4 VCEP threshold of >5, where the CI does not contain 1 (PS4; PMID: 35120629). At least one patient with this variant displayed age of onset under 18 years of age, macular flecks, two ABCA4 variants found on WES, and decreased central visual acuity, which is highly specific for ABCA4-related retinopathy (PP4; PMID: 31674661). This variant has been detected in at least 2 individuals with ABCA4-related retinopathy. Of those individuals, 2 were compound heterozygous for the variant and a pathogenic variant, c.4720G>T p.(Glu1574*) and c.4605_4606insT (p.Lys1536Ter), which was not confirmed in trans (PM3; PMIDs: 31674661, 25474345). In summary, this variant meets the criteria to be classified as pathogenic for ABCA4-related retinopathy based on the ACMG/AMP criteria applied, as specified by the ClinGen ABCA4 VCEP (Specification Version 1.0.0): PS4, PM3, PP4, PM2_Supporting, PP3_Moderate.

Women's Health and Genetics/Laboratory Corporation of America, LabCorp
Classification: Pathogenic for Stargardt disease. Last evaluated: 2025-05-12. Review status: criteria provided, single submitter. Criteria: LabCorp Variant Classification Summary - May 2015. Collection method: clinical testing. Allele origin: germline. Not counted in ClinVar's aggregate classification.
Comment: Variant summary: ABCA4 c.6289C>T (p.Pro2097Ser) results in a non-conservative amino acid change in the encoded protein sequence. Algorithms developed to predict the effect of missense changes on protein structure and function all suggest that this variant is likely to be disruptive. The variant was absent in 250676 control chromosomes (gnomAD). c.6289C>T has been observed in multiple individuals affected with Stargardt Disease or Retinitis Pigmentosa (e.g., Zaneveld_2015, Jiang_2016, Huang_2018, Liu_2021, Cornelis_2022). These data indicate that the variant is very likely to be associated with disease. The following publications have been ascertained in the context of this evaluation (PMID: 25474345, 26780318, 29641573, 32845068, 33090715, 35120629). ClinVar contains an entry for this variant (Variation ID: 2202780). Based on the evidence outlined above, the variant was classified as pathogenic.

3billion
Classification: Likely pathogenic for ABCA4-related disorder. Last evaluated: 2024-07-05. Review status: criteria provided, single submitter. Criteria: ACMG Guidelines, 2015. Collection method: clinical testing. Allele origin: germline. Affected: yes. Not counted in ClinVar's aggregate classification.
Comment: The variant is observed at an extremely low frequency in the gnomAD v4.0.0 dataset (total allele frequency: <0.001%). Predicted Consequence/Location: Missense variant In silico tool predictions suggest damaging effect of the variant on gene or gene product [REVEL: 0.93 (>=0.6, sensitivity 0.68 and specificity 0.92); 3Cnet: 0.78 (>=0.6, sensitivity 0.72 and precision 0.9)]. The same nucleotide change resulting in the same amino acid change has been previously reported to be associated with ABCA4 related disorder (ClinVar ID: VCV002202780 /PMID: 25474345).Different missense changes at the same codon (p.Pro2097Leu, p.Pro2097Thr) have been reported as pathogenic/likely pathogenic with strong evidence (ClinVar ID: VCV001393961, VCV002865406 /PMID: 36284460). Therefore, this variant is classified as Likely pathogenic according to the recommendation of ACMG/AMP guideline.

Labcorp Genetics (formerly Invitae), Labcorp
Classification: Pathogenic. Last evaluated: 2023-11-08. Review status: criteria provided, single submitter. Criteria: Invitae Variant Classification Sherloc (09022015). Collection method: clinical testing. Allele origin: germline. Not counted in ClinVar's aggregate classification.
Comment: This sequence change replaces proline, which is neutral and non-polar, with serine, which is neutral and polar, at codon 2097 of the ABCA4 protein (p.Pro2097Ser). This variant is not present in population databases (gnomAD no frequency). This missense change has been observed in individual(s) with Stargardt disease (PMID: 25474345, 26780318). In at least one individual the data is consistent with being in trans (on the opposite chromosome) from a pathogenic variant. ClinVar contains an entry for this variant (Variation ID: 2202780). Advanced modeling of protein sequence and biophysical properties (such as structural, functional, and spatial information, amino acid conservation, physicochemical variation, residue mobility, and thermodynamic stability) performed at Invitae indicates that this missense variant is expected to disrupt ABCA4 protein function with a positive predictive value of 95%. For these reasons, this variant has been classified as Pathogenic.

Juno Genomics, Hangzhou Juno Genomics, Inc
Classification: Likely pathogenic for Severe early-childhood-onset retinal dystrophy. Review status: criteria provided, single submitter. Criteria: ACMG Guidelines, 2015. Collection method: clinical testing. Allele origin: germline. Affected: yes. Not counted in ClinVar's aggregate classification.
Comment: Multiple lines of computational evidence support a deleterious effect on the gene or gene product.;For recessive disorders, detected in trans with a pathogenic variant.;Patient's phenotype or family history is highly specific for a disease with a single genetic etiology.

Literature cited by the submitters: PubMed 25474345 (cited by 3 submitters); PubMed 33090715 (cited by Women's Health and Genetics/Laboratory Corporation of America, LabCorp); PubMed 29641573 (cited by Women's Health and Genetics/Laboratory Corporation of America, LabCorp); PubMed 26780318 (cited by Women's Health and Genetics/Laboratory Corporation of America, LabCorp and Labcorp Genetics (formerly Invitae), Labcorp); PubMed 32845068 (cited by Women's Health and Genetics/Laboratory Corporation of America, LabCorp); PubMed 35120629 (cited by Women's Health and Genetics/Laboratory Corporation of America, LabCorp); PubMed 36284460 (cited by 3billion).

NM_000350.3(ABCA4):c.6289C>T (p.Pro2097Ser)

Gene: ABCA4 (ATP binding cassette subfamily A member 4; minus strand). Cytogenetic location: 1p22.1.
Variant type: single nucleotide variant.
Coding change: c.6289C>T on transcript NM_000350.3 (MANE Select); coding-DNA position 6289, C replaced by T.
Protein change: p.Pro2097Ser; replaces proline 2097 with serine.
Molecular consequence: missense variant.
Genome position (GRCh38, 1-based): chr1:94,001,099, G>A on the plus strand (C>T on the coding strand, the complement: ABCA4 is on the minus strand). VCF-style: chr1-94001099-G-A. GRCh37 (hg19) VCF-style: chr1-94466655-G-A.
Other names: NM_000350.3(ABCA4):c.6289C>T; p.Pro2097Ser; c.6067C>T, p.Pro2023Ser (NM_001425324.1); short protein forms P2097S, P2023S.
Identifiers: ClinVar variation 2202780 (VCV002202780.8), dbSNP rs1166357291, ClinGen allele CA341277622.
Genomic context (GRCh38, chr1:94,001,099, plus strand): 5'-TGATGCTCACGATGACGTTCCACAGCATGCGGCGTGCCTGGGGGTCCATCCCTGTGGTGG[G>A]CTCATCCTGGGGGGTGGAGAGAAGGTTGGGGGCACAGGCTGGGAGCTGGCCCTTCTGATT-3'
Protein context (NP_000341.2, residues 2087-2107): GCPPLVLLDE[Pro2097Ser]TTGMDPQARR